The following is an entry in ClinVar:

NM_006648.4(WNK2):c.5452C>A (p.Pro1818Thr)

Gene: WNK2 (WNK lysine deficient protein kinase 2; plus strand). Cytogenetic location: 9q22.31.
Variant type: single nucleotide variant.
Coding change: c.5452C>A on transcript NM_006648.4 (MANE Select); coding-DNA position 5452, C replaced by A.
Protein change: p.Pro1818Thr; replaces proline 1818 with threonine.
Molecular consequence: missense variant.
Genome position (GRCh38, 1-based): chr9:93,292,917, C>A. VCF-style: chr9-93292917-C-A. GRCh37 (hg19) VCF-style: chr9-96055199-C-A.
Other names: c.5563C>A, p.Pro1855Thr (NM_001282394.3); short protein forms P1818T, P1855T.
Identifiers: ClinVar variation 4201866 (VCV004201866.1).
Genomic context (GRCh38, chr9:93,292,917, plus strand): 5'-GAGGTCGGCGTGGGCGAGCCCGTGTCCAGCGACTCTGGGGACGAGGGCCCTCGGGCGAGA[C>A]CCCCGGTGCAGAAGCAGGCGTCCCTGCCCGTGAGTGGCAGCGTGGCTGGCGACTTCGTGA-3'
Protein context (NP_006639.3, residues 1808-1828): DSGDEGPRAR[Pro1818Thr]PVQKQASLPV

ClinVar aggregate classification (germline): Uncertain significance (1 of 4 stars; one submission).

gnomAD v4.1: 1 of 1,525,176 alleles (0.000066%); highest among the groups gnomAD compares: Non-Finnish European, 0.000088%; no homozygotes.

Submission:

Ambry Genetics
Classification: Uncertain significance. Last evaluated: 2025-09-01. Review status: criteria provided, single submitter. Criteria: Ambry Variant Classification Scheme 2023. Collection method: clinical testing. Allele origin: germline.
Comment: The p.P1818T variant (also known as c.5452C>A), located in coding exon 22 of the WNK2 gene, results from a C to A substitution at nucleotide position 5452. The proline at codon 1818 is replaced by threonine, an amino acid with highly similar properties. This amino acid position is conserved. In addition, this alteration is predicted to be tolerated by in silico analysis. Based on the available evidence, the clinical significance of this variant remains unclear.